The following is an entry in ClinVar:

NM_000384.3(APOB):c.8297C>T (p.Ser2766Phe)

Gene: APOB (apolipoprotein B; minus strand). Cytogenetic location: 2p24.1.
Variant type: single nucleotide variant.
Coding change: c.8297C>T on transcript NM_000384.3 (MANE Select); coding-DNA position 8297, C replaced by T.
Protein change: p.Ser2766Phe; replaces serine 2766 with phenylalanine.
Molecular consequence: missense variant.
Genome position (GRCh38, 1-based): chr2:21,008,571, G>A on the plus strand (C>T on the coding strand, the complement: APOB is on the minus strand). VCF-style: chr2-21008571-G-A. GRCh37 (hg19) VCF-style: chr2-21231443-G-A.
Other names: short protein forms S2766F.
Identifiers: ClinVar variation 927971 (VCV000927971.10), dbSNP rs1225631813, ClinGen allele CA345994674.

ClinVar aggregate classification (germline): Conflicting classifications of pathogenicity. Review status: criteria provided, conflicting classifications (1 of 4 stars). 3 submissions from 3 submitters: Uncertain significance (2); Likely benign (1). Last evaluated 2026-01-20.

Conditions:
Cardiovascular phenotype. Identifiers: MedGen CN230736.
Familial hypobetalipoproteinemia 1. Also called: Hypobetalipoproteinemia, normotriglyceridemic; Acanthocytosis with hypobetalipoproteinemia; APOB-Related Familial Hypobetalipoproteinemia. Identifiers: MedGen C4551990, MONDO:0014252, OMIM 615558.
Hypercholesterolemia, autosomal dominant, type B (FHCL2). Also called: Familial Hypercholesterolemia Type B; HYPERCHOLESTEROLEMIA, FAMILIAL, DUE TO LIGAND-DEFECTIVE APOLIPOPROTEIN B; Familial hypercholesterolemia 2; APOB-Related Familial Hypercholesterolemia, Autosomal Dominant; APOLIPOPROTEIN B-100, FAMILIAL DEFECTIVE; APOLIPOPROTEIN B-100, FAMILIAL LIGAND-DEFECTIVE. Identifiers: MedGen C1704417, MONDO:0007751, OMIM 144010.

Allele frequency attached by ClinVar (database versions not stated): gnomAD exomes 0.00002 and 0.00003; TOPMed 0.00002; gnomAD 0.00005.
gnomAD v4.1: 53 of 1,614,008 alleles (0.0033%); highest among the groups gnomAD compares: Admixed American, 0.018%; no homozygotes.

Submissions (3):

Labcorp Genetics (formerly Invitae), Labcorp
Classification: Likely benign for Familial hypobetalipoproteinemia 1; Hypercholesterolemia, autosomal dominant, type B. Last evaluated: 2026-01-20. Review status: criteria provided, single submitter. Criteria: Invitae Variant Classification Sherloc (09022015). Collection method: clinical testing. Allele origin: germline.

Ambry Genetics
Classification: Uncertain significance for Cardiovascular phenotype. Last evaluated: 2025-07-13. Review status: criteria provided, single submitter. Criteria: Ambry Variant Classification Scheme 2023. Collection method: clinical testing. Allele origin: germline.
Comment: The p.S2766F variant (also known as c.8297C>T), located in coding exon 26 of the APOB gene, results from a C to T substitution at nucleotide position 8297. The serine at codon 2766 is replaced by phenylalanine, an amino acid with highly dissimilar properties. This amino acid position is conserved. In addition, this alteration is predicted to be tolerated by in silico analysis. Since supporting evidence is limited at this time, the clinical significance of this alteration remains unclear.

Fulgent Genetics
Classification: Uncertain significance for Hypercholesterolemia, autosomal dominant, type B; Familial hypobetalipoproteinemia 1. Last evaluated: 2021-09-16. Review status: criteria provided, single submitter. Criteria: ACMG Guidelines, 2015. Collection method: clinical testing. Allele origin: unknown.